The following is an entry in ClinVar:

ClinVar aggregate classification (germline): Pathogenic/Likely pathogenic. Review status: criteria provided, multiple submitters, no conflicts (2 of 4 stars). 5 submissions from 5 submitters: Pathogenic (3); Likely pathogenic (2). Last evaluated 2026-09-21.

Conditions:
Inborn genetic diseases. Identifiers: MedGen C0950123, MeSH D030342.
Spinocerebellar ataxia type 29 (SCA29). Also called: CEREBELLAR ATAXIA, CONGENITAL NONPROGRESSIVE, AUTOSOMAL DOMINANT; Spinocerebellar ataxia 29, congenital nonprogressive. Identifiers: Orphanet 208513, MedGen C1861732, MONDO:0007298, OMIM 117360.
Spinocerebellar ataxia type 15/16 (SCA15). Also called: Spinocerebellar Ataxia Type 15. Identifiers: Orphanet 98769, MedGen C1847725, MONDO:0011694, OMIM 606658.
Gillespie syndrome (GLSP). Also called: Aniridia, cerebellar ataxia, and mental deficiency; Aniridia-cerebellar ataxia-intellectual disability syndrome. Identifiers: Orphanet 1065, MedGen C0431401, MONDO:0008795, OMIM 206700.

Submissions (5):

GeneDx
Classification: Pathogenic. Last evaluated: 2026-09-21. Review status: criteria provided, single submitter. Criteria: GeneDx Variant Classification Process June 2021. Collection method: clinical testing. Allele origin: germline.
Comment: Not observed at significant frequency in large population cohorts (gnomAD); In silico analysis supports that this missense variant has a deleterious effect on protein structure/function; This variant is associated with the following publications: (PMID: 29925855)

Laboratory of Genetics, Children's Clinical University Hospital Latvia
Classification: Pathogenic. Last evaluated: 2025-02-16. Review status: criteria provided, single submitter. Criteria: ACMG Guidelines, 2015. Collection method: clinical testing. Allele origin: germline. Affected: yes.

Fulgent Genetics
Classification: Likely pathogenic for Spinocerebellar ataxia type 29; Gillespie syndrome; Spinocerebellar ataxia type 15/16. Last evaluated: 2024-06-16. Review status: criteria provided, single submitter. Criteria: ACMG Guidelines, 2015. Collection method: clinical testing. Allele origin: germline.

Ambry Genetics
Classification: Likely pathogenic for Inborn genetic diseases. Last evaluated: 2019-02-26. Review status: criteria provided, single submitter. Criteria: Ambry exome assertion method (8-5-2015). Collection method: clinical testing. Allele origin: germline. Affected: yes. Observed: 1 variant allele.

Schule lab, Hertie Institute for Clinical Brain Research
Classification: Pathogenic for Spinocerebellar ataxia type 29. Last evaluated: 2018-02-09. Review status: criteria provided, single submitter. Criteria: Synofzik et al. (Eur J Hum Genet. 2018). Collection method: research. Allele origin: de novo. Affected: yes. Observed: 1 variant allele.

NM_001378452.1(ITPR1):c.736G>A (p.Glu246Lys)

Gene: ITPR1 (inositol 1,4,5-trisphosphate receptor type 1; plus strand). Cytogenetic location: 3p26.1.
Variant type: single nucleotide variant.
Coding change: c.736G>A on transcript NM_001378452.1 (MANE Select); coding-DNA position 736, G replaced by A.
Protein change: p.Glu246Lys; replaces glutamic acid 246 with lysine.
Molecular consequence: missense variant.
Genome position (GRCh38, 1-based): chr3:4,645,609, G>A. VCF-style: chr3-4645609-G-A. GRCh37 (hg19) VCF-style: chr3-4687293-G-A.
Other names: c.736G>A, p.Glu246Lys (NM_001099952.4, NM_001168272.2, NM_002222.7); c.736G>A (NM_002222.6); short protein forms E246K.
Identifiers: ClinVar variation 453136 (VCV000453136.9), dbSNP rs1553666546, ClinGen allele CA351636431.